The following is an entry in ClinVar:

NM_003722.5(TP63):c.860T>C (p.Leu287Pro)

Gene: TP63 (tumor protein p63; plus strand). Cytogenetic location: 3q28.
Variant type: single nucleotide variant.
Coding change: c.860T>C on transcript NM_003722.5 (MANE Select); coding-DNA position 860, T replaced by C.
Protein change: p.Leu287Pro; replaces leucine 287 with proline.
Molecular consequence: missense variant.
Genome position (GRCh38, 1-based): chr3:189,866,775, T>C. VCF-style: chr3-189866775-T-C. GRCh37 (hg19) VCF-style: chr3-189584564-T-C.
Other names: c.860T>C, p.Leu287Pro (NM_001114978.2, NM_001114979.2, NM_001329144.2 and 1 more transcripts); c.578T>C, p.Leu193Pro (NM_001114980.2, NM_001114981.2, NM_001114982.2 and 2 more transcripts); c.323T>C, p.Leu108Pro (NM_001329146.2, NM_001329150.2); c.854T>C, p.Leu285Pro (NM_001329964.2); short protein forms L108P, L193P, L285P, L287P.
Identifiers: ClinVar variation 3345222 (VCV003345222.1).

ClinVar aggregate classification (germline): Uncertain significance (0 of 4 stars; one submission).

Conditions:
TP63-related disorder. Also called: TP63-related condition; TP63-Related Disorders. Identifiers: MedGen CN380159.

Submission:

PreventionGenetics, part of Exact Sciences
Classification: Uncertain significance for TP63-related condition. Last evaluated: 2024-06-20. Review status: no assertion criteria provided. Collection method: clinical testing. Allele origin: germline.
Comment: The TP63 c.860T>C variant is predicted to result in the amino acid substitution p.Leu287Pro. To our knowledge, this variant has not been reported in the literature or in a large population database, indicating this variant is rare. At this time, the clinical significance of this variant is uncertain due to the absence of conclusive functional and genetic evidence.